The following is an entry in ClinVar:

ClinVar aggregate classification (germline): Uncertain significance (1 of 4 stars; one submission).

Conditions:
CEP164-related disorder. Also called: CEP164-related condition.

Submission:

PreventionGenetics, part of Exact Sciences
Classification: Uncertain significance for CEP164-related condition. Last evaluated: 2026-06-26. Review status: criteria provided, single submitter. Criteria: ACMG Guidelines, 2015. Collection method: clinical testing. Allele origin: germline.
Comment: The CEP164 c.1241G>A variant is predicted to result in the amino acid substitution p.Gly414Asp. To our knowledge, this variant has not been reported in the literature or in a large population database (gnomAD), indicating this variant is rare. At this time, the clinical significance of this variant is uncertain due to the absence of conclusive functional and genetic evidence.

NM_014956.5(CEP164):c.1241G>A (p.Gly414Asp)

Gene: CEP164 (centrosomal protein 164; plus strand). Cytogenetic location: 11q23.3.
Variant type: single nucleotide variant.
Coding change: c.1241G>A on transcript NM_014956.5 (MANE Select); coding-DNA position 1241, G replaced by A.
Protein change: p.Gly414Asp; replaces glycine 414 with aspartic acid.
Molecular consequence: missense variant.
Genome position (GRCh38, 1-based): chr11:117,375,715, G>A. VCF-style: chr11-117375715-G-A. GRCh37 (hg19) VCF-style: chr11-117246431-G-A.
Other names: c.1241G>A, p.Gly414Asp (NM_001271933.2, NM_001440949.1, NM_001440950.1 and 16 more transcripts); c.1163G>A, p.Gly388Asp (NM_001440952.1, NM_001440954.1, NM_001440955.1 and 16 more transcripts); c.1103G>A, p.Gly368Asp (NM_001440960.1); c.1082G>A, p.Gly361Asp (NM_001440972.1); short protein forms G361D, G368D, G414D, G388D.
Identifiers: ClinVar variation 4993342 (VCV004993342.1).